The following is an entry in ClinVar:

ClinVar aggregate classification (germline): Benign (0 of 4 stars; one submission).

Conditions:
KCTD18-related disorder. Also called: KCTD18-related condition.

Allele frequency attached by ClinVar (database versions not stated): 1000 Genomes Project 30x 0.09775; 1000 Genomes Project 0.09924; TOPMed 0.15850; gnomAD 0.16523; ESP Exome Variant Server 0.17307; ExAC 0.17560; gnomAD exomes 0.20979.
gnomAD v4.1: 331,145 of 1,614,088 alleles (21%); highest among the groups gnomAD compares: Middle Eastern, 28%; 37,272 homozygotes.

Submission:

PreventionGenetics, part of Exact Sciences
Classification: Benign for KCTD18-related condition. Last evaluated: 2019-10-24. Review status: no assertion criteria provided. Collection method: clinical testing. Allele origin: germline.
Comment: This variant is classified as benign based on ACMG/AMP sequence variant interpretation guidelines (Richards et al. 2015 PMID: 25741868, with internal and published modifications).

NM_152387.4(KCTD18):c.998C>T (p.Ala333Val)

Gene: KCTD18 (potassium channel tetramerization domain containing 18; minus strand). Cytogenetic location: 2q33.1.
Variant type: single nucleotide variant.
Coding change: c.998C>T on transcript NM_152387.4 (MANE Select); coding-DNA position 998, C replaced by T.
Protein change: p.Ala333Val; replaces alanine 333 with valine.
Molecular consequence: missense variant.
Genome position (GRCh38, 1-based): chr2:200,490,383, G>A on the plus strand (C>T on the coding strand, the complement: KCTD18 is on the minus strand). VCF-style: chr2-200490383-G-A. GRCh37 (hg19) VCF-style: chr2-201355106-G-A.
Other names: c.998C>T, p.Ala333Val (NM_001321547.2); c.371C>T, p.Ala124Val (NM_001321548.2, NM_001321550.2); short protein forms A124V, A333V.
Identifiers: ClinVar variation 3058937 (VCV003058937.2), dbSNP rs13018579, ClinGen allele CA2047535.